The following is an entry in ClinVar:

NM_006904.7(PRKDC):c.8153G>A (p.Gly2718Asp)

Gene: PRKDC (protein kinase, DNA-activated, catalytic subunit; minus strand). Cytogenetic location: 8q11.21.
Variant type: single nucleotide variant.
Coding change: c.8153G>A on transcript NM_006904.7 (MANE Select); coding-DNA position 8153, G replaced by A.
Protein change: p.Gly2718Asp; replaces glycine 2718 with aspartic acid.
Molecular consequence: missense variant.
Genome position (GRCh38, 1-based): chr8:47,831,926, C>T on the plus strand (G>A on the coding strand, the complement: PRKDC is on the minus strand). VCF-style: chr8-47831926-C-T. GRCh37 (hg19) VCF-style: chr8-48744487-C-T.
Other names: c.8153G>A, p.Gly2718Asp (NM_001081640.2); short protein forms G2718D.
Identifiers: ClinVar variation 852763 (VCV000852763.5), dbSNP rs758251444, ClinGen allele CA4739911.

ClinVar aggregate classification (germline): Uncertain significance. Review status: criteria provided, multiple submitters, no conflicts (2 of 4 stars). 2 submissions from 2 submitters: Uncertain significance (2). Last evaluated 2023-06-13.

Conditions:
Severe combined immunodeficiency due to DNA-PKcs deficiency. Also called: Immunodeficiency 26 with or without neurologic abnormalities; IMMUNODEFICIENCY 26 WITH NEUROLOGIC ABNORMALITIES. Identifiers: Orphanet 317425, MedGen C4014833, MONDO:0014423, OMIM 615966.

Allele frequency attached by ClinVar (database versions not stated): gnomAD below 0.00001 and 0.00001; gnomAD exomes 0.00001 and 0.00002; ExAC 0.00003.
gnomAD v4.1: 21 of 1,610,190 alleles (0.0013%); highest among the groups gnomAD compares: South Asian, 0.02%; no homozygotes.

Submissions (2):

Labcorp Genetics (formerly Invitae), Labcorp
Classification: Uncertain significance for Severe combined immunodeficiency due to DNA-PKcs deficiency. Last evaluated: 2023-06-13. Review status: criteria provided, single submitter. Criteria: Invitae Variant Classification Sherloc (09022015). Collection method: clinical testing. Allele origin: germline.
Comment: In summary, the available evidence is currently insufficient to determine the role of this variant in disease. Therefore, it has been classified as a Variant of Uncertain Significance. Experimental studies and prediction algorithms are not available or were not evaluated, and the functional significance of this variant is currently unknown. ClinVar contains an entry for this variant (Variation ID: 852763). This variant has not been reported in the literature in individuals affected with PRKDC-related conditions. This variant is present in population databases (rs758251444, gnomAD 0.02%). This sequence change replaces glycine, which is neutral and non-polar, with aspartic acid, which is acidic and polar, at codon 2718 of the PRKDC protein (p.Gly2718Asp).

Blueprint Genetics
Classification: Uncertain significance. Last evaluated: 2022-07-06. Review status: criteria provided, single submitter. Criteria: ACMG Guidelines, 2015. Collection method: clinical testing. Allele origin: germline.